The following is an entry in ClinVar:

ClinVar aggregate classification (germline): Uncertain significance (1 of 4 stars; one submission).

gnomAD v4.1: 3 of 1,600,016 alleles (0.00019%); highest among the groups gnomAD compares: Non-Finnish European, 0.00025%; no homozygotes.

Submission:

CeGaT Center for Human Genetics Tuebingen
Classification: Uncertain significance. Last evaluated: 2022-07-01. Review status: criteria provided, single submitter. Criteria: CeGaT Center For Human Genetics Tuebingen Variant Classification Criteria Version 2. Collection method: clinical testing. Allele origin: germline. Affected: yes. Observed: 1 variant allele.
Comment: MAP1B: PM2, BP1

NM_005909.5(MAP1B):c.151C>T (p.His51Tyr)

Gene: MAP1B (microtubule associated protein 1B; plus strand). Cytogenetic location: 5q13.2.
Variant type: single nucleotide variant.
Coding change: c.151C>T on transcript NM_005909.5 (MANE Select); coding-DNA position 151, C replaced by T.
Protein change: p.His51Tyr; replaces histidine 51 with tyrosine.
Molecular consequence: missense variant.
Genome position (GRCh38, 1-based): chr5:72,107,682, C>T. VCF-style: chr5-72107682-C-T. GRCh37 (hg19) VCF-style: chr5-71403509-C-T.
Other names: short protein forms H51Y.
Identifiers: ClinVar variation 2655510 (VCV002655510.24), dbSNP rs2478726451, ClinGen allele CA359986859.